The following is an entry in ClinVar:

ClinVar aggregate classification (germline): Pathogenic. Review status: criteria provided, single submitter (1 of 4 stars). 3 submissions from 3 submitters: Pathogenic (1). 2 of the submissions do not count toward it.

Conditions:
Neuronal ceroid lipofuscinosis 2. Also called: JANSKY-BIELSCHOWSKY DISEASE NEURONAL CEROID LIPOFUSCINOSIS, LATE INFANTILE; TPP1-Related Neuronal Ceroid-Lipofuscinosis. Identifiers: Orphanet 168491, Orphanet 228349, Orphanet 79264, MedGen C1876161, MONDO:0008769, OMIM 204500.

gnomAD v4.1: 1 of 1,614,090 alleles (0.000062%); highest among the groups gnomAD compares: Non-Finnish European, 0.000085%; no homozygotes.

Submissions (3):

Imagene.me medical diagnostic laboratory, IMAGENE.ME SA
Classification: Pathogenic for Neuronal ceroid lipofuscinosis 2. Review status: criteria provided, single submitter. Criteria: IMAGENE.ME Variant Classification SOP 2022. Collection method: clinical testing. Allele origin: germline. Affected: yes.
Comment: Classified according to the IMAGENE.ME variant classification SOP based on the ACMG guidelines as Pathogenic (P): PM3_Strong + PP4_Moderate + PP3_Moderate + PS4_Supporting + PM5_Supporting + PM2_Supporting

Counsyl
Classification: Uncertain significance for Neuronal ceroid lipofuscinosis 2. Last evaluated: 2017-06-14. Review status: no assertion criteria provided. Collection method: clinical testing. Allele origin: unknown. Not counted in ClinVar's aggregate classification.

Department of Developmental Neurology, Medical University of Gdansk
No classification provided. Condition: Neuronal ceroid lipofuscinosis 2. Review status: no classification provided. Collection method: phenotyping only. Allele origin: unknown. Inheritance: Autosomal recessive inheritance. Affected: yes. Not counted in ClinVar's aggregate classification.

Literature cited by the submitters: PubMed 12414822 (cited by Counsyl).

NM_000391.4(TPP1):c.833A>C (p.Gln278Pro)

Gene: TPP1 (tripeptidyl peptidase 1; minus strand). Cytogenetic location: 11p15.4.
Variant type: single nucleotide variant.
Coding change: c.833A>C on transcript NM_000391.4 (MANE Select); coding-DNA position 833, A replaced by C.
Protein change: p.Gln278Pro; replaces glutamine 278 with proline.
Molecular consequence: missense variant.
Genome position (GRCh38, 1-based): chr11:6,616,714, T>G on the plus strand (A>C on the coding strand, the complement: TPP1 is on the minus strand). VCF-style: chr11-6616714-T-G. GRCh37 (hg19) VCF-style: chr11-6637945-T-G.
Other names: short protein forms Q278P.
Identifiers: ClinVar variation 552559 (VCV000552559.5), dbSNP rs796053439, ClinGen allele CA379474984.